The following is an entry in ClinVar:

ClinVar aggregate classification (germline): Uncertain significance (1 of 4 stars; one submission).

Conditions:
Inborn genetic diseases. Identifiers: MedGen C0950123, MeSH D030342.

Allele frequency attached by ClinVar (database versions not stated): gnomAD exomes below 0.00001.
gnomAD v4.1: 1 of 1,614,152 alleles (0.000062%); highest among the groups gnomAD compares: Non-Finnish European, 0.000085%; no homozygotes.

Submission:

Ambry Genetics
Classification: Uncertain significance for Inborn genetic diseases. Last evaluated: 2025-02-09. Review status: criteria provided, single submitter. Criteria: Ambry Variant Classification Scheme 2023. Collection method: clinical testing. Allele origin: germline.
Comment: The p.L720W variant (also known as c.2159T>G), located in coding exon 8 of the MECOM gene, results from a T to G substitution at nucleotide position 2159. The leucine at codon 720 is replaced by tryptophan, an amino acid with similar properties. This amino acid position is conserved. In addition, this alteration is predicted to be tolerated by in silico analysis. Based on the available evidence, the clinical significance of this variant remains unclear.

NM_004991.4(MECOM):c.2159T>G (p.Leu720Trp)

Gene: MECOM (MDS1 and EVI1 complex locus; minus strand). Cytogenetic location: 3q26.2.
Variant type: single nucleotide variant.
Coding change: c.2159T>G on transcript NM_004991.4 (MANE Select); coding-DNA position 2159, T replaced by G.
Protein change: p.Leu720Trp; replaces leucine 720 with tryptophan.
Molecular consequence: missense variant.
Genome position (GRCh38, 1-based): chr3:169,115,713, A>C on the plus strand (T>G on the coding strand, the complement: MECOM is on the minus strand). VCF-style: chr3-169115713-A-C. GRCh37 (hg19) VCF-style: chr3-168833501-A-C.
Other names: c.1790T>G, p.Leu597Trp (NM_001105077.4); c.1595T>G, p.Leu532Trp (NM_001105078.4, NM_001164000.2, NM_001205194.2 and 4 more transcripts); c.1598T>G, p.Leu533Trp (NM_001163999.2, NM_001366467.2, NM_001366468.2 and 1 more transcripts); c.2159T>G, p.Leu720Trp (NM_001366466.2); c.1187T>G, p.Leu396Trp (NM_001366473.2); c.623T>G, p.Leu208Trp (NM_001366474.2); short protein forms L396W, L597W, L720W, L208W, L532W, L533W.
Identifiers: ClinVar variation 2611761 (VCV002611761.3), dbSNP rs368250791, ClinGen allele CA87592171.